The following is an entry in ClinVar:

NM_000257.4(MYH7):c.1354C>T (p.Pro452Ser)

Gene: MYH7 (myosin heavy chain 7; minus strand). Cytogenetic location: 14q11.2.
Variant type: single nucleotide variant.
Coding change: c.1354C>T on transcript NM_000257.4 (MANE Select); coding-DNA position 1354, C replaced by T.
Protein change: p.Pro452Ser; replaces proline 452 with serine.
Molecular consequence: missense variant.
Genome position (GRCh38, 1-based): chr14:23,429,008, G>A on the plus strand (C>T on the coding strand, the complement: MYH7 is on the minus strand). VCF-style: chr14-23429008-G-A. GRCh37 (hg19) VCF-style: chr14-23898217-G-A.
Other names: c.1354C>T (NM_000257.3); c.1354C>T, p.Pro452Ser (NM_001407004.1); short protein forms P452S.
Identifiers: ClinVar variation 2094681 (VCV002094681.5), dbSNP rs1892811683, ClinGen allele CA389050800.
Genomic context (GRCh38, chr14:23,429,008, plus strand): 5'-AACTCACATCGAAGATCTCGAAGCCAGCGATGTCCAGGACTCCTATGAAGTACTGGCGTG[G>A]CTGCTTGGTCTCCAGGGTGGCATTGATGCGCGTCACCATCCAGTTGAACATCCTCTCATA-3'
Protein context (NP_000248.2, residues 442-462): RINATLETKQ[Pro452Ser]RQYFIGVLDI

ClinVar aggregate classification (germline): Uncertain significance. Review status: criteria provided, multiple submitters, no conflicts (2 of 4 stars). 2 submissions from 2 submitters: Uncertain significance (2). Last evaluated 2025-04-09.

Conditions:
Cardiovascular phenotype. Identifiers: MedGen CN230736.
Hypertrophic cardiomyopathy. Also called: HYPERTROPHIC MYOCARDIOPATHY. Identifiers: Orphanet 217569, MedGen C0007194, MeSH D002312, MONDO:0005045, HP:0001639.

Submissions (2):

Molecular Diagnostic Laboratory for Inherited Cardiovascular Disease, Montreal Heart Institute
Classification: Uncertain significance for Cardiovascular phenotype. Last evaluated: 2025-04-09. Review status: criteria provided, single submitter. Criteria: ACMG Guidelines, 2015. Collection method: clinical testing. Allele origin: germline. Affected: yes.
Comment: PM1;PM2

Labcorp Genetics (formerly Invitae), Labcorp
Classification: Uncertain significance for Hypertrophic cardiomyopathy. Last evaluated: 2024-12-04. Review status: criteria provided, single submitter. Criteria: Invitae Variant Classification Sherloc (09022015). Collection method: clinical testing. Allele origin: germline.
Comment: This sequence change replaces proline, which is neutral and non-polar, with serine, which is neutral and polar, at codon 452 of the MYH7 protein (p.Pro452Ser). This variant is not present in population databases (gnomAD no frequency). This variant has not been reported in the literature in individuals affected with MYH7-related conditions. ClinVar contains an entry for this variant (Variation ID: 2094681). Invitae Evidence Modeling of protein sequence and biophysical properties (such as structural, functional, and spatial information, amino acid conservation, physicochemical variation, residue mobility, and thermodynamic stability) indicates that this missense variant is expected to disrupt MYH7 protein function with a positive predictive value of 95%. In summary, the available evidence is currently insufficient to determine the role of this variant in disease. Therefore, it has been classified as a Variant of Uncertain Significance.